The following is an entry in ClinVar:

ClinVar aggregate classification (germline): Uncertain significance. Review status: criteria provided, multiple submitters, no conflicts (2 of 4 stars). 3 submissions from 3 submitters: Uncertain significance (3). Last evaluated 2025-06-23.

Conditions:
Inborn genetic diseases. Identifiers: MedGen C0950123, MeSH D030342.
S1PR2-related disorder. Also called: S1PR2-related condition.

Allele frequency attached by ClinVar (database versions not stated): gnomAD exomes below 0.00001; TOPMed 0.00001.

Submissions (3):

PreventionGenetics, part of Exact Sciences
Classification: Uncertain significance for S1PR2-related condition. Last evaluated: 2025-06-23. Review status: criteria provided, single submitter. Criteria: ACMG Guidelines, 2015. Collection method: clinical testing. Allele origin: germline.
Comment: The S1PR2 c.444G>C variant is predicted to result in the amino acid substitution p.Met148Ile. To our knowledge, this variant has not been reported in the literature or in a large population database (gnomAD), indicating this variant is rare. At this time, the clinical significance of this variant is uncertain due to the absence of conclusive functional and genetic evidence.

Ambry Genetics
Classification: Uncertain significance for Inborn genetic diseases. Last evaluated: 2025-02-27. Review status: criteria provided, single submitter. Criteria: Ambry Variant Classification Scheme 2023. Collection method: clinical testing. Allele origin: germline.

Labcorp Genetics (formerly Invitae), Labcorp
Classification: Uncertain significance. Last evaluated: 2021-12-21. Review status: criteria provided, single submitter. Criteria: Invitae Variant Classification Sherloc (09022015). Collection method: clinical testing. Allele origin: germline.
Comment: Algorithms developed to predict the effect of missense changes on protein structure and function are either unavailable or do not agree on the potential impact of this missense change (SIFT: "Deleterious"; PolyPhen-2: "Benign"; Align-GVGD: "Class C0"). In summary, the available evidence is currently insufficient to determine the role of this variant in disease. Therefore, it has been classified as a Variant of Uncertain Significance. This variant has not been reported in the literature in individuals affected with S1PR2-related conditions. This variant is not present in population databases (gnomAD no frequency). This sequence change replaces methionine, which is neutral and non-polar, with isoleucine, which is neutral and non-polar, at codon 148 of the S1PR2 protein (p.Met148Ile).

NM_004230.4(S1PR2):c.444G>C (p.Met148Ile)

Gene: S1PR2 (sphingosine-1-phosphate receptor 2; minus strand). Cytogenetic location: 19p13.2.
Variant type: single nucleotide variant.
Coding change: c.444G>C on transcript NM_004230.4 (MANE Select); coding-DNA position 444, G replaced by C.
Protein change: p.Met148Ile; replaces methionine 148 with isoleucine.
Molecular consequence: missense variant.
Genome position (GRCh38, 1-based): chr19:10,224,462, C>G on the plus strand (G>C on the coding strand, the complement: S1PR2 is on the minus strand). VCF-style: chr19-10224462-C-G. GRCh37 (hg19) VCF-style: chr19-10335138-C-G.
Other names: c.444G>C (NM_004230.3); short protein forms M148I.
Identifiers: ClinVar variation 2036992 (VCV002036992.5), dbSNP rs2039616917, ClinGen allele CA403948245.